The following is an entry in ClinVar:

ClinVar aggregate classification (germline): Uncertain significance (1 of 4 stars; one submission).

Submission:

CeGaT Center for Human Genetics Tuebingen
Classification: Uncertain significance. Last evaluated: 2025-09-01. Review status: criteria provided, single submitter. Criteria: CeGaT Center For Human Genetics Tuebingen Variant Classification Criteria Version 2. Collection method: clinical testing. Allele origin: germline. Affected: yes. Observed: 1 variant allele.
Comment: SPEN: PM2, PS2:Moderate

NM_015001.3(SPEN):c.5717G>A (p.Ser1906Asn)

Gene: SPEN (spen family transcriptional repressor; plus strand). Cytogenetic location: 1p36.13.
Variant type: single nucleotide variant.
Coding change: c.5717G>A on transcript NM_015001.3 (MANE Select); coding-DNA position 5717, G replaced by A.
Protein change: p.Ser1906Asn; replaces serine 1906 with asparagine.
Molecular consequence: missense variant.
Genome position (GRCh38, 1-based): chr1:15,931,957, G>A. VCF-style: chr1-15931957-G-A. GRCh37 (hg19) VCF-style: chr1-16258452-G-A.
Other names: short protein forms S1906N.
Identifiers: ClinVar variation 4281403 (VCV004281403.7).
Genomic context (GRCh38, chr1:15,931,957, plus strand): 5'-ACCTTGAACATCCCGAACCAAGTTTGCCTCTCAGCCGAACAAGGCGCCGGAATGTAAGGA[G>A]CGTCTATGCAACCATGGGTGACCATGAAAACCGCTCTCCTGTCAAAGAGCCCGTTGAGCA-3'
Protein context (NP_055816.2, residues 1896-1916): LSRTRRRNVR[Ser1906Asn]VYATMGDHEN